The following is an entry in ClinVar:

ClinVar aggregate classification (germline): Uncertain significance (1 of 4 stars; one submission).

Conditions:
Early-infantile DEE. Also called: Early infantile epileptic encephalopathy with suppression bursts; Early infantile epileptic encephalopathy; Ohtahara syndrome. Identifiers: Orphanet 1934, MedGen C0393706, MONDO:0800491.

gnomAD v4.1: 2 of 1,306,302 alleles (0.00015%); highest among the groups gnomAD compares: Non-Finnish European, 0.0002%; no homozygotes.

Submission:

Labcorp Genetics (formerly Invitae), Labcorp
Classification: Uncertain significance for Early-infantile DEE. Last evaluated: 2024-04-29. Review status: criteria provided, single submitter. Criteria: Invitae Variant Classification Sherloc (09022015). Collection method: clinical testing. Allele origin: germline.
Comment: This sequence change replaces alanine, which is neutral and non-polar, with glutamic acid, which is acidic and polar, at codon 27 of the HCN1 protein (p.Ala27Glu). This variant is not present in population databases (gnomAD no frequency). This variant has not been reported in the literature in individuals affected with HCN1-related conditions. Advanced modeling of protein sequence and biophysical properties (such as structural, functional, and spatial information, amino acid conservation, physicochemical variation, residue mobility, and thermodynamic stability) performed at Invitae indicates that this missense variant is not expected to disrupt HCN1 protein function with a negative predictive value of 95%. In summary, the available evidence is currently insufficient to determine the role of this variant in disease. Therefore, it has been classified as a Variant of Uncertain Significance.

NM_021072.4(HCN1):c.80C>A (p.Ala27Glu)

Gene: HCN1 (hyperpolarization activated cyclic nucleotide gated potassium channel 1; minus strand). Cytogenetic location: 5p12.
Variant type: single nucleotide variant.
Coding change: c.80C>A on transcript NM_021072.4 (MANE Select); coding-DNA position 80, C replaced by A.
Protein change: p.Ala27Glu; replaces alanine 27 with glutamic acid.
Molecular consequence: missense variant.
Genome position (GRCh38, 1-based): chr5:45,696,014, G>T on the plus strand (C>A on the coding strand, the complement: HCN1 is on the minus strand). VCF-style: chr5-45696014-G-T. GRCh37 (hg19) VCF-style: chr5-45696116-G-T.
Other names: short protein forms A27E.
Identifiers: ClinVar variation 3695081 (VCV003695081.2).
Genomic context (GRCh38, chr5:45,696,014, plus strand): 5'-CCGCCGCCCCCCGGCGGGGTGCCCAGGCGCTTCTCGGCCGCGGCCGGCCCCGCGCCCGTC[G>T]CGGACGCCTTGGCGGGGAAGACGCTGTTGCCATCGTCCCGGCTGTTAGACGAAGAGTTGG-3'
Protein context (NP_066550.2, residues 17-37): GNSVFPAKAS[Ala27Glu]TGAGPAAAEK